The following is an entry in ClinVar:

NM_000235.4(LIPA):c.538+4T>A

Gene: LIPA (lipase A, lysosomal acid type; minus strand). Cytogenetic location: 10q23.31.
Variant type: single nucleotide variant.
Coding change: c.538+4T>A on transcript NM_000235.4 (MANE Select); 4 bases into the intron after coding-DNA position 538, T replaced by A.
Molecular consequence: intron variant.
Genome position (GRCh38, 1-based): chr10:89,226,891, A>T on the plus strand (T>A on the coding strand, the complement: LIPA is on the minus strand). VCF-style: chr10-89226891-A-T. GRCh37 (hg19) VCF-style: chr10-90986648-A-T.
Other names: c.190+4T>A (NM_001288979.2); c.538+4T>A (NM_001127605.3).
Identifiers: ClinVar variation 848267 (VCV000848267.12), dbSNP rs779872404, ClinGen allele CA211368785.

ClinVar aggregate classification (germline): Uncertain significance. Review status: criteria provided, multiple submitters, no conflicts (2 of 4 stars). 4 submissions from 4 submitters: Uncertain significance (2). 2 of the submissions do not count toward it. Last evaluated 2024-11-10.

Conditions:
Lysosomal acid lipase deficiency. Also called: Acid cholesteryl ester hydrolase deficiency, type 2. Identifiers: Orphanet 275761, MedGen C5574740, MONDO:0800449, MONDO:0010204.
LIPA-related disorder. Also called: LIPA-related disorders; LIPA-related condition.
Wolman disease (WOLD). Also called: Acid cholesteryl ester hydrolase deficiency, Wolman type; Acid lipase disease; Wolman disease with hypolipoproteinemia and acanthocytosis; LYSOSOMAL ACID LIPASE DEFICIENCY, ACUTE INFANTILE; LYSOSOMAL ACID LIPASE DEFICIENCY, COMPLETE; LIPA DEFICIENCY, COMPLETE. Identifiers: Orphanet 75233, MedGen C0043208, MONDO:0019148, OMIM 620151.

Allele frequency attached by ClinVar (database versions not stated): TOPMed 0.00001.
gnomAD v4.1: 6 of 1,469,202 alleles (0.00041%); highest among the groups gnomAD compares: Admixed American, 0.01%; no homozygotes.

Submissions (4):

Women's Health and Genetics/Laboratory Corporation of America, LabCorp
Classification: Uncertain significance. Last evaluated: 2024-11-10. Review status: criteria provided, single submitter. Criteria: LabCorp Variant Classification Summary - May 2015. Collection method: clinical testing. Allele origin: germline.

Labcorp Genetics (formerly Invitae), Labcorp
Classification: Uncertain significance for Wolman disease. Last evaluated: 2021-08-27. Review status: criteria provided, single submitter. Criteria: Invitae Variant Classification Sherloc (09022015). Collection method: clinical testing. Allele origin: germline.
Comment: This sequence change falls in intron 5 of the LIPA gene. It does not directly change the encoded amino acid sequence of the LIPA protein. It affects a nucleotide within the consensus splice site of the intron. This variant is not present in population databases (ExAC no frequency). This variant has not been reported in the literature in individuals affected with LIPA-related conditions. Variants that disrupt the consensus splice site are a relatively common cause of aberrant splicing (PMID: 17576681, 9536098). Algorithms developed to predict the effect of sequence changes on RNA splicing suggest that this variant is not likely to affect RNA splicing. In summary, the available evidence is currently insufficient to determine the role of this variant in disease. Therefore, it has been classified as a Variant of Uncertain Significance.

Natera, Inc.
Classification: Uncertain significance for Lysosomal acid lipase deficiency. Last evaluated: 2021-07-27. Review status: no assertion criteria provided. Collection method: clinical testing. Allele origin: germline. Not counted in ClinVar's aggregate classification.

PreventionGenetics, part of Exact Sciences
Classification: Likely benign for LIPA-related condition. Last evaluated: 2020-04-03. Review status: no assertion criteria provided. Collection method: clinical testing. Allele origin: germline. Not counted in ClinVar's aggregate classification.
Comment: This variant is classified as likely benign based on ACMG/AMP sequence variant interpretation guidelines (Richards et al. 2015 PMID: 25741868, with internal and published modifications).

Literature cited by the submitters: PubMed 17576681 (cited by Labcorp Genetics (formerly Invitae), Labcorp); PubMed 9536098 (cited by Labcorp Genetics (formerly Invitae), Labcorp).